The following is an entry in ClinVar:

NM_024408.4(NOTCH2):c.2243G>A (p.Gly748Asp)

Gene: NOTCH2 (notch receptor 2; minus strand). Cytogenetic location: 1p12.
Variant type: single nucleotide variant.
Coding change: c.2243G>A on transcript NM_024408.4 (MANE Select); coding-DNA position 2243, G replaced by A.
Protein change: p.Gly748Asp; replaces glycine 748 with aspartic acid.
Molecular consequence: missense variant.
Genome position (GRCh38, 1-based): chr1:119,953,665, C>T on the plus strand (G>A on the coding strand, the complement: NOTCH2 is on the minus strand). VCF-style: chr1-119953665-C-T. GRCh37 (hg19) VCF-style: chr1-120496288-C-T.
Other names: c.2243G>A, p.Gly748Asp (NM_001200001.2); short protein forms G748D.
Identifiers: ClinVar variation 2852891 (VCV002852891.3), dbSNP rs782151048, ClinGen allele CA1040347.
Genomic context (GRCh38, chr1:119,953,665, plus strand): 5'-TTCTGGCATGGATTCGAAAGGCATTCATTTTTGTCCACTTCACAGTTGATGCCAACCCAG[C>T]CTGCATCACAGAGACACTTATATCTGAAAGAAGACAAAACTTTTTACTATAGGAGGTATA-3'
Protein context (NP_077719.2, residues 738-758): LSGYKCLCDA[Gly748Asp]WVGINCEVDK

ClinVar aggregate classification (germline): Uncertain significance (1 of 4 stars; one submission).

Conditions:
Hajdu-Cheney syndrome (HJCYS). Also called: ACROOSTEOLYSIS WITH OSTEOPOROSIS AND CHANGES IN SKULL AND MANDIBLE; Acroosteolysis dominant type; SERPENTINE FIBULA-POLYCYSTIC KIDNEY SYNDROME. Identifiers: Orphanet 955, MedGen C0917715, MONDO:0007057, OMIM 102500.

Allele frequency attached by ClinVar (database versions not stated): gnomAD 0.00003; ExAC 0.00008; TOPMed 0.00005.
gnomAD v4.1: 84 of 1,613,990 alleles (0.0052%); highest among the groups gnomAD compares: Admixed American, 0.0083%; 1 homozygote.

Submission:

Labcorp Genetics (formerly Invitae), Labcorp
Classification: Uncertain significance for Hajdu-Cheney syndrome. Last evaluated: 2025-03-31. Review status: criteria provided, single submitter. Criteria: Invitae Variant Classification Sherloc (09022015). Collection method: clinical testing. Allele origin: germline.
Comment: This sequence change replaces glycine, which is neutral and non-polar, with aspartic acid, which is acidic and polar, at codon 748 of the NOTCH2 protein (p.Gly748Asp). This variant is present in population databases (rs782151048, gnomAD 0.01%). This variant has not been reported in the literature in individuals affected with NOTCH2-related conditions. ClinVar contains an entry for this variant (Variation ID: 2852891). Invitae Evidence Modeling of protein sequence and biophysical properties (such as structural, functional, and spatial information, amino acid conservation, physicochemical variation, residue mobility, and thermodynamic stability) indicates that this missense variant is expected to disrupt NOTCH2 protein function with a positive predictive value of 80%. In summary, the available evidence is currently insufficient to determine the role of this variant in disease. Therefore, it has been classified as a Variant of Uncertain Significance.